The following is an entry in ClinVar:

NM_199355.4(ADAMTS18):c.737G>A (p.Arg246Gln)

Gene: ADAMTS18 (ADAM metallopeptidase with thrombospondin type 1 motif 18; minus strand). Cytogenetic location: 16q23.1.
Variant type: single nucleotide variant.
Coding change: c.737G>A on transcript NM_199355.4 (MANE Select); coding-DNA position 737, G replaced by A.
Protein change: p.Arg246Gln; replaces arginine 246 with glutamine.
Molecular consequence: missense variant.
Genome position (GRCh38, 1-based): chr16:77,367,482, C>T on the plus strand (G>A on the coding strand, the complement: ADAMTS18 is on the minus strand). VCF-style: chr16-77367482-C-T. GRCh37 (hg19) VCF-style: chr16-77401379-C-T.
Other names: c.217G>A, p.Glu73Lys (NM_001326358.2); c.737G>A (NM_199355.2); short protein forms E73K, R246Q.
Identifiers: ClinVar variation 1001890 (VCV001001890.8), dbSNP rs146432168, ClinGen allele CA8181577.

ClinVar aggregate classification (germline): Uncertain significance. Review status: criteria provided, multiple submitters, no conflicts (2 of 4 stars). 2 submissions from 2 submitters: Uncertain significance (2). Last evaluated 2022-10-04.

Conditions:
Inborn genetic diseases. Identifiers: MedGen C0950123, MeSH D030342.

Allele frequency attached by ClinVar (database versions not stated): ESP Exome Variant Server 0.00008; ExAC 0.00001; gnomAD exomes 0.00002; gnomAD 0.00004; TOPMed 0.00005.

Submissions (2):

Labcorp Genetics (formerly Invitae), Labcorp
Classification: Uncertain significance. Last evaluated: 2022-10-04. Review status: criteria provided, single submitter. Criteria: Invitae Variant Classification Sherloc (09022015). Collection method: clinical testing. Allele origin: germline.
Comment: Algorithms developed to predict the effect of missense changes on protein structure and function are either unavailable or do not agree on the potential impact of this missense change (SIFT: "Not Available"; PolyPhen-2: "Benign"; Align-GVGD: "Not Available"). In summary, the available evidence is currently insufficient to determine the role of this variant in disease. Therefore, it has been classified as a Variant of Uncertain Significance. This sequence change replaces arginine, which is basic and polar, with glutamine, which is neutral and polar, at codon 246 of the ADAMTS18 protein (p.Arg246Gln). This variant is present in population databases (rs146432168, gnomAD 0.004%). This variant has not been reported in the literature in individuals affected with ADAMTS18-related conditions. ClinVar contains an entry for this variant (Variation ID: 1001890).

Ambry Genetics
Classification: Uncertain significance for Inborn genetic diseases. Last evaluated: 2021-08-02. Review status: criteria provided, single submitter. Criteria: Ambry Variant Classification Scheme 2023. Collection method: clinical testing. Allele origin: germline.